The following is an entry in ClinVar:

ClinVar aggregate classification (germline): Uncertain significance (1 of 4 stars; one submission).

Allele frequency attached by ClinVar (database versions not stated): TOPMed 0.00001; gnomAD 0.00003.
gnomAD v4.1: 61 of 1,613,962 alleles (0.0038%); highest among the groups gnomAD compares: Non-Finnish European, 0.005%; no homozygotes.

Submission:

Labcorp Genetics (formerly Invitae), Labcorp
Classification: Uncertain significance. Last evaluated: 2022-03-16. Review status: criteria provided, single submitter. Criteria: Invitae Variant Classification Sherloc (09022015). Collection method: clinical testing. Allele origin: germline.
Comment: This sequence change replaces proline, which is neutral and non-polar, with serine, which is neutral and polar, at codon 115 of the C8B protein (p.Pro115Ser). This variant is present in population databases (no rsID available, gnomAD 0.005%). This variant has not been reported in the literature in individuals affected with C8B-related conditions. Algorithms developed to predict the effect of missense changes on protein structure and function (SIFT, PolyPhen-2, Align-GVGD) all suggest that this variant is likely to be tolerated. In summary, the available evidence is currently insufficient to determine the role of this variant in disease. Therefore, it has been classified as a Variant of Uncertain Significance.

NM_000066.4(C8B):c.343C>T (p.Pro115Ser)

Gene: C8B (complement C8 beta chain; minus strand). Cytogenetic location: 1p32.2.
Variant type: single nucleotide variant.
Coding change: c.343C>T on transcript NM_000066.4 (MANE Select); coding-DNA position 343, C replaced by T.
Protein change: p.Pro115Ser; replaces proline 115 with serine.
Molecular consequence: missense variant.
Genome position (GRCh38, 1-based): chr1:56,956,817, G>A on the plus strand (C>T on the coding strand, the complement: C8B is on the minus strand). VCF-style: chr1-56956817-G-A. GRCh37 (hg19) VCF-style: chr1-57422490-G-A.
Other names: c.187C>T, p.Pro63Ser (NM_001278543.2); c.157C>T, p.Pro53Ser (NM_001278544.2); short protein forms P63S, P115S, P53S.
Identifiers: ClinVar variation 1980508 (VCV001980508.1), dbSNP rs1035626416, ClinGen allele CA22833040.